The following is an entry in ClinVar:

ClinVar aggregate classification (germline): Benign/Likely benign. Review status: criteria provided, multiple submitters, no conflicts (2 of 4 stars). 3 submissions from 3 submitters: Benign (1); Likely benign (2). Last evaluated 2025-11-23.

Conditions:
Hereditary cancer-predisposing syndrome. Also called: Neoplastic Syndromes, Hereditary; Tumor predisposition; Hereditary neoplastic syndrome; Hereditary Cancer Syndrome. Identifiers: Orphanet 140162, MedGen C0027672, MeSH D009386, MONDO:0015356.
Peutz-Jeghers syndrome (PJS). Also called: POLYPOSIS, HAMARTOMATOUS INTESTINAL; POLYPS-AND-SPOTS SYNDROME; Peutz-Jeghers polyposis; Periorificial lentiginosis syndrome. Identifiers: Orphanet 2869, MedGen C0031269, MeSH D010580, MONDO:0008280, OMIM 175200.

Submissions (3):

Labcorp Genetics (formerly Invitae), Labcorp
Classification: Likely benign for Peutz-Jeghers syndrome. Last evaluated: 2025-11-23. Review status: criteria provided, single submitter. Criteria: Invitae Variant Classification Sherloc (09022015). Collection method: clinical testing. Allele origin: germline.

Myriad Genetics, Inc.
Classification: Benign for Peutz-Jeghers syndrome. Last evaluated: 2025-03-24. Review status: criteria provided, single submitter. Criteria: Myriad Autosomal Dominant, Autosomal Recessive and X-Linked Classification Criteria (2023). Collection method: clinical testing. Allele origin: unknown.
Comment: This variant is considered benign. This variant is a silent/synonymous amino acid change and it is not expected to impact splicing.

Ambry Genetics
Classification: Likely benign for Hereditary cancer-predisposing syndrome. Last evaluated: 2019-12-23. Review status: criteria provided, single submitter. Criteria: Ambry Variant Classification Scheme 2023. Collection method: clinical testing. Allele origin: germline.

NM_000455.5(STK11):c.18G>C (p.Pro6=)

Gene: STK11 (serine/threonine kinase 11; plus strand). Cytogenetic location: 19p13.3.
Variant type: single nucleotide variant.
Coding change: c.18G>C on transcript NM_000455.5 (MANE Select); coding-DNA position 18, G replaced by C.
Protein change: p.Pro6=; no amino-acid change (proline 6 retained).
Molecular consequence: synonymous variant.
Genome position (GRCh38, 1-based): chr19:1,206,931, G>C. VCF-style: chr19-1206931-G-C. GRCh37 (hg19) VCF-style: chr19-1206930-G-C.
Identifiers: ClinVar variation 527851 (VCV000527851.14), dbSNP rs1555734869, ClinGen allele CA504706069.